The following is an entry in ClinVar:

NM_000059.4(BRCA2):c.964A>G (p.Lys322Glu)

Gene: BRCA2 (BRCA2 DNA repair associated; plus strand). Cytogenetic location: 13q13.1.
Variant type: single nucleotide variant.
Coding change: c.964A>G on transcript NM_000059.4 (MANE Select); coding-DNA position 964, A replaced by G.
Protein change: p.Lys322Glu; replaces lysine 322 with glutamic acid.
Molecular consequence: missense variant.
Genome position (GRCh38, 1-based): chr13:32,332,442, A>G. VCF-style: chr13-32332442-A-G. GRCh37 (hg19) VCF-style: chr13-32906579-A-G.
Other names: c.964A>G, p.Lys322Glu (NM_001406719.1, NM_001406720.1, NM_001406721.1); short protein forms K322E.
Identifiers: ClinVar variation 2117673 (VCV002117673.6), dbSNP rs11571640, ClinGen allele CA387760894.

ClinVar aggregate classification (germline): Conflicting classifications of pathogenicity. Review status: criteria provided, conflicting classifications (1 of 4 stars). 2 submissions from 2 submitters: Uncertain significance (1); Likely benign (1). Last evaluated 2023-03-23.

Conditions:
Hereditary cancer-predisposing syndrome. Also called: Neoplastic Syndromes, Hereditary; Tumor predisposition; Hereditary Cancer Syndrome; Hereditary neoplastic syndrome. Identifiers: Orphanet 140162, MedGen C0027672, MeSH D009386, MONDO:0015356.
Hereditary breast ovarian cancer syndrome. Also called: Hereditary breast and ovarian cancer syndrome; Hereditary breast and ovarian cancer; Hereditary breast and ovarian cancer syndrome (HBOC); Hereditary breast and/or ovarian cancer syndrome; Breast and ovarian cancer; BRCA1- and BRCA2-Associated Hereditary Breast and Ovarian Cancer. Identifiers: Orphanet 145, MedGen C0677776, MeSH D061325, MONDO:0003582. Disease mechanism: loss of function.

Submissions (2):

University of Washington Department of Laboratory Medicine, University of Washington
Classification: Likely benign for Hereditary cancer-predisposing syndrome. Last evaluated: 2023-03-23. Review status: criteria provided, single submitter. Criteria: Dines et al. (Genet Med. 2020). Collection method: curation. Allele origin: germline.
Comment: Missense variant in a coldspot region where missense variants are very unlikely to be pathogenic (PMID:31911673).

BRCA2 exon 10 coldspot. Reclassification based on statistical prior probability.

Labcorp Genetics (formerly Invitae), Labcorp
Classification: Uncertain significance for Hereditary breast ovarian cancer syndrome. Last evaluated: 2022-04-05. Review status: criteria provided, single submitter. Criteria: Invitae Variant Classification Sherloc (09022015). Collection method: clinical testing. Allele origin: germline.
Comment: In summary, the available evidence is currently insufficient to determine the role of this variant in disease. Therefore, it has been classified as a Variant of Uncertain Significance. Advanced modeling of protein sequence and biophysical properties (such as structural, functional, and spatial information, amino acid conservation, physicochemical variation, residue mobility, and thermodynamic stability) performed at Invitae indicates that this missense variant is not expected to disrupt BRCA2 protein function. This variant has not been reported in the literature in individuals affected with BRCA2-related conditions. This variant is not present in population databases (gnomAD no frequency). This sequence change replaces lysine, which is basic and polar, with glutamic acid, which is acidic and polar, at codon 322 of the BRCA2 protein (p.Lys322Glu).